The following is an entry in ClinVar:

NM_020806.5(GPHN):c.2302C>T (p.Arg768Trp)

Gene: GPHN (gephyrin; plus strand). Cytogenetic location: 14q23.3.
Variant type: single nucleotide variant.
Coding change: c.2302C>T on transcript NM_020806.5 (MANE Select); coding-DNA position 2302, C replaced by T.
Protein change: p.Arg768Trp; replaces arginine 768 with tryptophan.
Molecular consequence: missense variant.
Genome position (GRCh38, 1-based): chr14:67,180,929, C>T. VCF-style: chr14-67180929-C-T. GRCh37 (hg19) VCF-style: chr14-67647646-C-T.
Other names: c.2302C>T (NM_020806.4); c.2203C>T, p.Arg735Trp (NM_001024218.2); c.2362C>T, p.Arg788Trp (NM_001377514.1); c.2332C>T, p.Arg778Trp (NM_001377515.1); c.2323C>T, p.Arg775Trp (NM_001377516.1); c.2275C>T, p.Arg759Trp (NM_001377517.1); c.2260C>T, p.Arg754Trp (NM_001377518.1); c.2242C>T, p.Arg748Trp (NM_001377519.1); short protein forms R754W, R788W, R735W, R748W, R778W, R768W, R775W, R759W.
Identifiers: ClinVar variation 2016860 (VCV002016860.5), dbSNP rs780146563, ClinGen allele CA7234319.

ClinVar aggregate classification (germline): Uncertain significance. Review status: criteria provided, multiple submitters, no conflicts (2 of 4 stars). 2 submissions from 2 submitters: Uncertain significance (2). Last evaluated 2025-12-30.

Conditions:
Sulfite oxidase deficiency due to molybdenum cofactor deficiency type C. Also called: Molybdenum cofactor deficiency, complementation group C; Molybdenum cofactor deficiency C. Identifiers: Orphanet 308400, Orphanet 833, MedGen C1854990, MONDO:0014212, OMIM 615501.
GPHN-related disorder. Also called: GPHN-related condition.

Allele frequency attached by ClinVar (database versions not stated): ExAC 0.00001; gnomAD exomes 0.00001; TOPMed 0.00001; gnomAD 0.00002.
gnomAD v4.1: 15 of 1,613,754 alleles (0.00093%); highest among the groups gnomAD compares: Middle Eastern, 0.049%; no homozygotes.

Submissions (2):

Labcorp Genetics (formerly Invitae), Labcorp
Classification: Uncertain significance for Sulfite oxidase deficiency due to molybdenum cofactor deficiency type C. Last evaluated: 2025-12-30. Review status: criteria provided, single submitter. Criteria: Invitae Variant Classification Sherloc (09022015). Collection method: clinical testing. Allele origin: germline.
Comment: This sequence change replaces arginine, which is basic and polar, with tryptophan, which is neutral and slightly polar, at codon 768 of the GPHN protein (p.Arg768Trp). This variant is present in population databases (rs780146563, gnomAD 0.004%). This variant has not been reported in the literature in individuals affected with GPHN-related conditions. ClinVar contains an entry for this variant (Variation ID: 2016860). Invitae Evidence Modeling of protein sequence and biophysical properties (such as structural, functional, and spatial information, amino acid conservation, physicochemical variation, residue mobility, and thermodynamic stability) indicates that this missense variant is expected to disrupt GPHN protein function with a positive predictive value of 80%. In summary, the available evidence is currently insufficient to determine the role of this variant in disease. Therefore, it has been classified as a Variant of Uncertain Significance.

PreventionGenetics, part of Exact Sciences
Classification: Uncertain significance for GPHN-related condition. Last evaluated: 2025-04-15. Review status: criteria provided, single submitter. Criteria: ACMG Guidelines, 2015. Collection method: clinical testing. Allele origin: germline.
Comment: The GPHN c.2302C>T variant is predicted to result in the amino acid substitution p.Arg768Trp. To our knowledge, this variant has not been reported in the literature. This variant is reported in 0.0044% of alleles in individuals of European (non-Finnish) descent in gnomAD. At this time, the clinical significance of this variant is uncertain due to the absence of conclusive functional and genetic evidence.